The following is an entry in ClinVar:

NM_000257.4(MYH7):c.3973-2dup

Gene: MYH7 (myosin heavy chain 7; minus strand). Cytogenetic location: 14q11.2.
Variant type: Duplication.
Coding change: c.3973-2dup on transcript NM_000257.4 (MANE Select); the canonical splice acceptor site of the intron before coding-DNA position 3973, one base duplicated (A; older notation c.3973-2dupA).
Molecular consequence: splice acceptor variant.
Genome position (GRCh38, 1-based): chr14:23,418,408, T duplicated on the plus strand (A on the coding strand, the reverse complement: MYH7 is on the minus strand). VCF-style (leftmost placement, unchanged base first): chr14-23418407-C-CT. GRCh37 (hg19) VCF-style: chr14-23887616-C-CT.
Other names: c.3973-2dup (NM_001407004.1).
Identifiers: ClinVar variation 3387307 (VCV003387307.3).

ClinVar aggregate classification (germline): Uncertain significance. Review status: criteria provided, multiple submitters, no conflicts (2 of 4 stars). 3 submissions from 3 submitters: Uncertain significance (3). Last evaluated 2025-07-03.

Conditions:
Cardiomyopathy (CMYO). Also called: Cardiomyopathies. Identifiers: Orphanet 167848, MedGen C0878544, MONDO:0004994, HP:0001638. Inheritance: Various modes of inheritance.

Submissions (3):

Color Diagnostics, LLC DBA Color Health
Classification: Uncertain significance for Cardiomyopathy. Last evaluated: 2025-07-03. Review status: criteria provided, single submitter. Criteria: ACMG Guidelines, 2015. Collection method: clinical testing. Allele origin: germline.
Comment: This variant inserts one nucleotide in intron 29 of the MYH7 gene. To our knowledge, functional studies have not been reported for this variant. This variant has not been reported in individuals affected with MYH7-related disorders in the literature. This variant has not been identified in the general population by the Genome Aggregation Database (gnomAD). The available evidence is insufficient to determine the role of this variant in disease conclusively. Therefore, this variant is classified as a Variant of Uncertain Significance.

All of Us Research Program, National Institutes of Health
Classification: Uncertain significance for Cardiomyopathy. Last evaluated: 2024-08-06. Review status: criteria provided, single submitter. Criteria: ACMG Guidelines, 2015. Collection method: clinical testing. Allele origin: germline. Inheritance: Autosomal dominant inheritance. Observed: 1 variant allele, 1 heterozygote.
Comment: This study involves interpretation of variants in research participants for the purpose of population health screening. Participant phenotype was not available at the time of variant classification. Additional details can be found in publication PMID: 35346344, PMCID: PMC8962531

Blueprint Genetics
Classification: Uncertain significance. Last evaluated: 2022-11-28. Review status: criteria provided, single submitter. Criteria: ACMG Guidelines, 2015. Collection method: clinical testing. Allele origin: germline.